The following is an entry in ClinVar:

ClinVar aggregate classification (germline): Pathogenic (1 of 4 stars; one submission).

Conditions:
Propionic acidemia (PROP). Also called: GLYCINEMIA, KETOTIC; HYPERGLYCINEMIA WITH KETOACIDOSIS AND LEUKOPENIA; KETOTIC HYPERGLYCINEMIA. Identifiers: Orphanet 35, MedGen C0268579, MONDO:0011628, OMIM 606054, HP:0003571.

Submission:

Myriad Genetics, Inc.
Classification: Pathogenic for Propionic acidemia. Last evaluated: 2025-09-09. Review status: criteria provided, single submitter. Criteria: Myriad Autosomal Dominant, Autosomal Recessive and X-Linked Classification Criteria (2023). Collection method: clinical testing. Allele origin: unknown.
Comment: NM_000282.3(PCCA):c.252delG(M85Wfs*19) is expected to be pathogenic in the context of PCCA-related propionic acidemia. This variant is predicted to lead to an abnormal or absent protein product due to the creation of a premature termination codon in PCCA, a gene where loss-of-function variants are known to be pathogenic. Please note: this variant was assessed in the context of healthy population screening.

NM_000282.4(PCCA):c.252del (p.Met85fs)

Gene: PCCA (propionyl-CoA carboxylase subunit alpha; plus strand). Cytogenetic location: 13q32.3.
Variant type: Deletion.
Coding change: c.252del on transcript NM_000282.4 (MANE Select); coding-DNA position 252, one base deleted (G; older notation c.252delG).
Protein change: p.Met85fs; shifts the reading frame from methionine 85.
Molecular consequence: frameshift variant. On other transcripts: 5 prime UTR variant (3), non-coding transcript variant (5).
Genome position (GRCh38, 1-based): chr13:100,112,013, G deleted. VCF-style (leftmost placement, unchanged base first): chr13-100112012-AG-A. GRCh37 (hg19) VCF-style: chr13-100764266-AG-A.
Other names: c.174del, p.Met59fs (NM_001127692.3, NM_001352607.2, NM_001352608.2); c.252del, p.Met85fs (NM_001178004.2, NM_001352605.2, NM_001352606.2 and 1 more transcripts); c.-615del (NM_001352610.2, NM_001352611.2, NM_001352612.2); short protein forms M59fs, M85fs.
Identifiers: ClinVar variation 5014953 (VCV005014953.1).